The following is an entry in ClinVar:

NM_005476.7(GNE):c.1651A>G (p.Ile551Val)

Gene: GNE (glucosamine (UDP-N-acetyl)-2-epimerase/N-acetylmannosamine kinase; minus strand). Cytogenetic location: 9p13.3.
Variant type: single nucleotide variant.
Coding change: c.1651A>G on transcript NM_005476.7 (MANE Select); coding-DNA position 1651, A replaced by G.
Protein change: p.Ile551Val; replaces isoleucine 551 with valine.
Molecular consequence: missense variant.
Genome position (GRCh38, 1-based): chr9:36,220,003, T>C on the plus strand (A>G on the coding strand, the complement: GNE is on the minus strand). VCF-style: chr9-36220003-T-C. GRCh37 (hg19) VCF-style: chr9-36220000-T-C.
Other names: c.1744A>G, p.Ile582Val (NM_001128227.3); c.1429A>G, p.Ile477Val (NM_001190383.3); c.1321A>G, p.Ile441Val (NM_001190384.3); c.1474A>G, p.Ile492Val (NM_001190388.2, NM_001374798.1); c.1498A>G, p.Ile500Val (NM_001374797.1); short protein forms I582V, I551V, I441V, I477V, I500V, I492V.
Identifiers: ClinVar variation 288664 (VCV000288664.38), dbSNP rs754313408, ClinGen allele CA5056443.
Genomic context (GRCh38, chr9:36,220,003, plus strand): 5'-CAAGGTGGCCCAGTTCTGCAGCACAGAAGGAGCTTCCGTGGATCAATTCATGCTGATGGA[T>C]AATTCCACCACCGATTCCTACAGCGAGGGATAGAAATCACTGAGGGTGCTTTACCTGAAA-3'
Protein context (NP_005467.1, residues 541-561): ITGTGIGGGI[Ile551Val]HQHELIHGSS

ClinVar aggregate classification (germline): Uncertain significance. Review status: criteria provided, multiple submitters, no conflicts (2 of 4 stars). 9 submissions from 9 submitters: Uncertain significance (7). 2 of the submissions do not count toward it. Last evaluated 2025-10-07.

Conditions:
GNE-related disorder. Also called: GNE-related condition.
Inborn genetic diseases. Identifiers: MedGen C0950123, MeSH D030342.
Sialuria. Also called: SIALURIA, FRENCH TYPE; Sialic Acid Storage Disease. Identifiers: Orphanet 3166, MedGen C0342853, MONDO:0010028, OMIM 269921.
GNE myopathy (NM). Also called: IBM 2; Inclusion body myopathy autosomal recessive; Inclusion body myopathy quadriceps sparing; INCLUSION BODY MYOPATHY, HEREDITARY, AUTOSOMAL RECESSIVE; INCLUSION BODY MYOPATHY 2, AUTOSOMAL RECESSIVE; MYOPATHY, DISTAL, WITH OR WITHOUT RIMMED VACUOLES. Identifiers: Orphanet 602, MedGen C1853926, MONDO:0011603, OMIM 605820.

Allele frequency attached by ClinVar (database versions not stated): gnomAD exomes 0.00003; ExAC 0.00005; gnomAD 0.00007 and 0.00008; TOPMed 0.00011.
gnomAD v4.1: 47 of 1,613,740 alleles (0.0029%); highest among the groups gnomAD compares: African/African-American, 0.012%; no homozygotes.

Submissions (9):

Ambry Genetics
Classification: Uncertain significance for Inborn genetic diseases. Last evaluated: 2025-10-07. Review status: criteria provided, single submitter. Criteria: Ambry Variant Classification Scheme 2023. Collection method: clinical testing. Allele origin: germline.

Women's Health and Genetics/Laboratory Corporation of America, LabCorp
Classification: Uncertain significance. Last evaluated: 2025-09-23. Review status: criteria provided, single submitter. Criteria: LabCorp Variant Classification Summary - May 2015. Collection method: clinical testing. Allele origin: germline.
Comment: Variant summary: GNE c.1744A>G (p.Ile582Val) results in a conservative amino acid change in the encoded protein sequence. Algorithms developed to predict the effect of missense changes on protein structure and function are either unavailable or do not agree on the potential impact of this missense change. The variant allele was found at a frequency of 2.8e-05 in 251476 control chromosomes. The available data on variant occurrences in the general population are insufficient to allow any conclusion about variant significance. To our knowledge, c.1744A>G has not been observed in individual(s) affected with GNE myopathy and no experimental evidence demonstrating an impact on protein function has been reported. ClinVar contains an entry for this variant (Variation ID: 288664). Based on the evidence outlined above, the variant was classified as uncertain significance.

Labcorp Genetics (formerly Invitae), Labcorp
Classification: Uncertain significance for Sialuria; GNE myopathy. Last evaluated: 2024-08-24. Review status: criteria provided, single submitter. Criteria: Invitae Variant Classification Sherloc (09022015). Collection method: clinical testing. Allele origin: germline.
Comment: This sequence change replaces isoleucine, which is neutral and non-polar, with valine, which is neutral and non-polar, at codon 582 of the GNE protein (p.Ile582Val). This variant is present in population databases (rs754313408, gnomAD 0.02%). This variant has not been reported in the literature in individuals affected with GNE-related conditions. ClinVar contains an entry for this variant (Variation ID: 288664). An algorithm developed to predict the effect of missense changes on protein structure and function outputs the following: PolyPhen-2: "Benign". The valine amino acid residue is found in multiple mammalian species, which suggests that this missense change does not adversely affect protein function. In summary, the available evidence is currently insufficient to determine the role of this variant in disease. Therefore, it has been classified as a Variant of Uncertain Significance.

GeneDx
Classification: Uncertain significance. Last evaluated: 2024-01-25. Review status: criteria provided, single submitter. Criteria: GeneDx Variant Classification Process June 2021. Collection method: clinical testing. Allele origin: germline. Affected: yes.
Comment: Missense variants in this gene are a common cause of disease and they are underrepresented in the general population; In silico analysis supports that this missense variant does not alter protein structure/function; Has not been previously published as pathogenic or benign to our knowledge; This variant is associated with the following publications: (PMID: 24796702)

CeGaT Center for Human Genetics Tuebingen
Classification: Uncertain significance. Last evaluated: 2024-01-01. Review status: criteria provided, single submitter. Criteria: CeGaT Center For Human Genetics Tuebingen Variant Classification Criteria Version 2. Collection method: clinical testing. Allele origin: germline. Affected: yes. Observed: 1 variant allele.
Comment: GNE: PM2

Revvity Omics, Revvity
Classification: Uncertain significance. Last evaluated: 2019-08-02. Review status: criteria provided, single submitter. Criteria: ACMG Guidelines, 2015. Collection method: clinical testing. Allele origin: germline.

Eurofins Ntd Llc (ga)
Classification: Uncertain significance. Last evaluated: 2016-06-13. Review status: criteria provided, single submitter. Criteria: EGL Classification Definitions 2015. Collection method: clinical testing. Allele origin: germline. Observed: 1 variant allele, 1 heterozygote.

PreventionGenetics, part of Exact Sciences
Classification: Uncertain significance for GNE-related condition. Last evaluated: 2024-03-14. Review status: no assertion criteria provided. Collection method: clinical testing. Allele origin: germline. Not counted in ClinVar's aggregate classification.
Comment: The GNE c.1744A>G variant is predicted to result in the amino acid substitution p.Ile582Val. To our knowledge, this variant has not been reported in the literature. This variant is reported in 0.020% of alleles in individuals of African descent in gnomAD. At this time, the clinical significance of this variant is uncertain due to the absence of conclusive functional and genetic evidence.

Natera, Inc.
Classification: Uncertain significance for Nonaka myopathy. Last evaluated: 2020-02-13. Review status: no assertion criteria provided. Collection method: clinical testing. Allele origin: germline. Not counted in ClinVar's aggregate classification.

Literature cited by the submitters: PubMed 21811164 (cited by Women's Health and Genetics/Laboratory Corporation of America, LabCorp).